The following is an entry in ClinVar:

ClinVar aggregate classification (germline): Benign/Likely benign. Review status: criteria provided, multiple submitters, no conflicts (2 of 4 stars). 11 submissions from 10 submitters: Benign (4); Likely benign (4). 3 of the submissions do not count toward it. Last evaluated 2026-07-01.

Conditions:
FOXP1-related disorder. Also called: FOXP1-related condition.
Inborn genetic diseases. Identifiers: MedGen C0950123, MeSH D030342.
Aortic valve atresia. Also called: Aortic valve atresia (disease). Identifiers: Orphanet 95448, MedGen C0265843, MONDO:0019808, HP:0010883.
Mitral atresia disorder. Also called: Mitral atresia. Identifiers: Orphanet 1205, MedGen C0344760, MONDO:0015249, HP:0011560.
Hypoplastic left heart syndrome 1 (HLHS1). Identifiers: Orphanet 2248, MedGen C4551854, MONDO:0009433, OMIM 241550.
Visceral heterotaxy. Also called: Heterotaxy syndrome; Heterotaxia. Identifiers: Orphanet 450, MedGen C3178805, MONDO:0018677.
Pulmonary atresia with ventricular septal defect. Identifiers: Orphanet 1207, MedGen C0344976, MONDO:0008343, OMIM 178370.
Single Ventricle Defect. Identifiers: MedGen C3274516.
Familial atrioventricular septal defect. Also called: AVC DEFECT. Identifiers: Orphanet 98722, MedGen CN029142, MONDO:0020290.

Allele frequency attached by ClinVar (database versions not stated): TOPMed 0.00199; ESP Exome Variant Server 0.00208; gnomAD exomes 0.00040; ExAC 0.00043; 1000 Genomes Project 30x 0.00078; 1000 Genomes Project 0.00080; gnomAD 0.00171 and 0.00185.
gnomAD v4.1: 505 of 1,613,832 alleles (0.031%); highest among the groups gnomAD compares: African/African-American, 0.6%; 1 homozygote.

Submissions (11):

CeGaT Center for Human Genetics Tuebingen
Classification: Likely benign. Last evaluated: 2026-07-01. Review status: criteria provided, single submitter. Criteria: CeGaT Center For Human Genetics Tuebingen Variant Classification Criteria Version 2. Collection method: clinical testing. Allele origin: germline. Affected: yes. Observed: 3 variant alleles.
Comment: FOXP1: BS1

Labcorp Genetics (formerly Invitae), Labcorp
Classification: Benign. Last evaluated: 2026-02-03. Review status: criteria provided, single submitter. Criteria: Invitae Variant Classification Sherloc (09022015). Collection method: clinical testing. Allele origin: germline.

Blueprint Genetics
Classification: Likely benign. Last evaluated: 2024-06-27. Review status: criteria provided, single submitter. Criteria: ACMG Guidelines, 2015. Collection method: clinical testing. Allele origin: germline.

GeneDx
Classification: Benign. Last evaluated: 2020-02-28. Review status: criteria provided, single submitter. Criteria: GeneDx Variant Classification Process June 2021. Collection method: clinical testing. Allele origin: germline. Affected: yes.
Comment: This variant is associated with the following publications: (PMID: 23766104, 29762087, 26656470)

Ambry Genetics
Classification: Benign for Inborn genetic diseases. Last evaluated: 2019-04-05. Review status: criteria provided, single submitter. Criteria: Ambry Variant Classification Scheme 2023. Collection method: clinical testing. Allele origin: germline.

Center for Pediatric Genomic Medicine, Children's Mercy Hospital and Clinics
Classification: Likely benign. Last evaluated: 2016-11-30. Review status: criteria provided, single submitter. Criteria: ACMG Guidelines, 2015. Collection method: clinical testing. Allele origin: germline.
ClinVar note: Converted during submission from Likely Benign to Likely benign.

Eurofins Ntd Llc (ga)
Classification: Benign. Last evaluated: 2014-05-27. Review status: criteria provided, single submitter. Criteria: EGL Classification Definitions 2015. Collection method: clinical testing. Allele origin: germline. Observed: 1 variant allele, 1 heterozygote.

Breakthrough Genomics
Classification: Likely benign. Review status: criteria provided, single submitter. Criteria: ACMG Guidelines, 2015. Collection method: not provided. Allele origin: germline. Inheritance: Autosomal dominant inheritance. Affected: yes.

PreventionGenetics, part of Exact Sciences
Classification: Likely benign for FOXP1-related condition. Last evaluated: 2019-07-01. Review status: no assertion criteria provided. Collection method: clinical testing. Allele origin: germline. Not counted in ClinVar's aggregate classification.
Comment: This variant is classified as likely benign based on ACMG/AMP sequence variant interpretation guidelines (Richards et al. 2015 PMID: 25741868, with internal and published modifications).

Garg Lab, Nationwide Children's Hospital
Classification: association for Hypoplastic left heart syndrome; Congenital atresia of mitral valve; Congenital atresia of aortic valve. Last evaluated: 2013-05-21. Review status: no assertion criteria provided. Collection method: research. Allele origin: unknown. Affected: yes. Observed: 1 heterozygote. Not counted in ClinVar's aggregate classification.

Garg Lab, Nationwide Children's Hospital
Classification: association for Atrioventricular septal defect; Pulmonary atresia with ventricular septal defect; Single Ventricle Defect; Heterotaxy syndrome. Last evaluated: 2013-05-21. Review status: no assertion criteria provided. Collection method: research. Allele origin: unknown. Affected: yes. Observed: 1 heterozygote. Not counted in ClinVar's aggregate classification.

NM_001349338.3(FOXP1):c.1702C>T (p.Pro568Ser)

Gene: FOXP1 (forkhead box P1; minus strand). Cytogenetic location: 3p13.
Variant type: single nucleotide variant.
Coding change: c.1702C>T on transcript NM_001349338.3 (MANE Select); coding-DNA position 1702, C replaced by T.
Protein change: p.Pro568Ser; replaces proline 568 with serine.
Molecular consequence: missense variant. On other transcripts: non-coding transcript variant (2).
Genome position (GRCh38, 1-based): chr3:70,970,756, G>A on the plus strand (C>T on the coding strand, the complement: FOXP1 is on the minus strand). VCF-style: chr3-70970756-G-A. GRCh37 (hg19) VCF-style: chr3-71019907-G-A.
Other names: c.1699C>T, p.Pro567Ser (NM_001244808.3, NM_001349341.3); c.1750C>T, p.Pro584Ser (NM_001244810.2); c.1474C>T, p.Pro492Ser (NM_001244812.3); c.1402C>T, p.Pro468Ser (NM_001244813.3, NM_001244815.2, NM_001349342.3); c.1702C>T, p.Pro568Ser (NM_001244814.3, NM_001244816.2, NM_001349340.3 and 1 more transcripts); c.1399C>T, p.Pro467Ser (NM_001349337.2, NM_001349343.3, NM_001349344.3 and 1 more transcripts); short protein forms P568S, P467S, P468S, P492S, P584S, P567S.
Identifiers: ClinVar variation 55847 (VCV000055847.47), dbSNP rs147674680, ClinGen allele CA201483.